The following is an entry in ClinVar:

ClinVar aggregate classification (germline): Pathogenic. Review status: criteria provided, multiple submitters, no conflicts (2 of 4 stars). 20 submissions from 19 submitters: Pathogenic (17). 3 of the submissions do not count toward it. Last evaluated 2026-08-17.

Conditions:
TSC1-related disorder. Also called: TSC1-related condition.
Tuberous sclerosis syndrome (TSC). Also called: Tuberous Sclerosis Complex; Tuberous sclerosis. Identifiers: Orphanet 805, MedGen C0041341, MONDO:0001734.
Tuberous sclerosis 1 (TSC1). Identifiers: Orphanet 805, MedGen C1854465, MONDO:0008612, OMIM 191100.

Submissions (20):

Institute of Human Genetics, University of Leipzig Medical Center
Classification: Pathogenic for Tuberous sclerosis 1. Last evaluated: 2026-08-17. Review status: criteria provided, single submitter. Criteria: ACMG Guidelines, 2015. Collection method: clinical testing. Allele origin: unknown. Inheritance: Autosomal dominant inheritance. Affected: yes.
Comment: Criteria applied: PVS1,PS4,PM2

PreventionGenetics, part of Exact Sciences
Classification: Pathogenic for TSC1-related condition. Last evaluated: 2026-01-13. Review status: criteria provided, single submitter. Criteria: ACMG Guidelines, 2015. Collection method: clinical testing. Allele origin: germline.
Comment: The TSC1 c.1888_1891delAAAG variant is predicted to result in a frameshift and premature protein termination (p.Lys630Glnfs*22). This variant, also described as “2105delAAAG” and “2109_2112delAAAG” in the literature, has been reported in individuals with tuberous sclerosis complex (van Slegtenhorst et al. 1997. PubMed ID: 9242607; Jones et al. 1997. PubMed ID: 9328481; Ali et al. 1998. PubMed ID: 9863590; Niida et al. 1999. PubMed ID: 10533067; Rosset et al. 2017. PubMed ID: 28968464). This variant has not been reported in a large population database (gnomAD), indicating this variant is rare. It is interpreted as pathogenic in ClinVar (Variation ID: 5097). Frameshift variants in TSC1 are expected to be pathogenic. This variant is interpreted as pathogenic.

Dasa
Classification: Pathogenic. Last evaluated: 2025-11-07. Review status: criteria provided, single submitter. Criteria: DASA Assertion Criteria. Collection method: clinical testing. Allele origin: germline.
Comment: NM_000368.5(TSC1):c.1888_1891del (p.Lys630Glnfs*22) is a frameshift variant in TSC1 predicted to alter the reading frame and introduce a premature termination codon and is predicted to result in an absent or altered protein product. Loss of function is an established disease mechanism for TSC1 (PMID: 32917966; PMID: 23389244; PMID: 17304050). This variant has been reported in individuals with TSC1-related disorders (PMID: 9242607). Segregation data support an association with disease in the reported family/families (PMID: 9242607). Also, this variant is absent from population databases. Based on the currently available evidence, this variant is classified as pathogenic.

Labcorp Genetics (formerly Invitae), Labcorp
Classification: Pathogenic for Tuberous sclerosis 1. Last evaluated: 2025-07-30. Review status: criteria provided, single submitter. Criteria: Invitae Variant Classification Sherloc (09022015). Collection method: clinical testing. Allele origin: germline.
Comment: This sequence change creates a premature translational stop signal (p.Lys630Glnfs*22) in the TSC1 gene. It is expected to result in an absent or disrupted protein product. Loss-of-function variants in TSC1 are known to be pathogenic (PMID: 10227394, 17304050). This variant is not present in population databases (gnomAD no frequency). This premature translational stop signal has been observed in individual(s) with clinical features of tuberous sclerosis complex (PMID: 9242607, 9863590, 9924605, 10533067). Invitae Evidence Modeling of clinical and family history, age, sex, and reported ancestry of multiple individuals with this TSC1 variant has been performed. This variant is expected to be pathogenic with a positive predictive value of at least 99%. This is a validated machine learning model that incorporates the clinical features of 1,224,362 individuals referred to our laboratory for TSC1 testing. This variant is also known as 2105delAAAG and 2109_2112delAAAG. For these reasons, this variant has been classified as Pathogenic.

Mayo Clinic Laboratories, Mayo Clinic
Classification: Pathogenic. Last evaluated: 2025-05-12. Review status: criteria provided, single submitter. Criteria: ACMG Guidelines, 2015. Collection method: clinical testing. Allele origin: germline. Observed: 1 variant allele.
Comment: PM2_supporting, PM6, PS4_moderate, PVS1

Genomic Medicine Center of Excellence, King Faisal Specialist Hospital and Research Centre
Classification: Pathogenic for Tuberous sclerosis 1. Last evaluated: 2024-09-22. Review status: criteria provided, single submitter. Criteria: ACMG Guidelines, 2015. Collection method: clinical testing. Allele origin: germline.

Neuberg Centre For Genomic Medicine, NCGM
Classification: Pathogenic for Tuberous sclerosis 1. Last evaluated: 2024-02-01. Review status: criteria provided, single submitter. Criteria: ACMG Guidelines, 2015. Collection method: clinical testing. Allele origin: germline. Inheritance: Autosomal dominant inheritance. Affected: yes.
Comment: This sequence change creates a premature translational stop signal (p.Lys630Glnfs*22) in the TSC1 gene. It is expected to result in an absent or disrupted protein product. Loss-of-function variants in TSC1 are known to be pathogenic (PMID: 10227394, 17304050). This variant is not present in population databases (gnomAD no frequency). This premature translational stop signal has been observed in individual(s) with clinical features of tuberous sclerosis complex (PMID: 9242607, 9863590, 9924605, 10533067). This variant is also known as 2105delAAAG and 2109_2112delAAAG. ClinVar contains an entry for this variant (Variation ID: 5097). For these reasons, this variant has been classified as Pathogenic.

Blueprint Genetics
Classification: Pathogenic for TSC1-related disorders. Last evaluated: 2023-06-29. Review status: criteria provided, single submitter. Criteria: ACMG Guidelines, 2015. Collection method: clinical testing. Allele origin: germline. Affected: yes. Observed: 3 variant alleles.

Division of Genomic Medicine, Department of Advanced Medicine, Medical Research Institute, Kanazawa Medical University
Classification: Pathogenic for Tuberous sclerosis 1. Last evaluated: 2022-07-17. Review status: criteria provided, single submitter. Criteria: ACMG Guidelines, 2015. Collection method: clinical testing. Allele origin: germline. Affected: yes. Observed: 2 variant alleles.

GeneDx
Classification: Pathogenic. Last evaluated: 2022-05-02. Review status: criteria provided, single submitter. Criteria: GeneDx Variant Classification Process June 2021. Collection method: clinical testing. Allele origin: germline. Affected: yes.
Comment: Frameshift variant predicted to result in protein truncation or nonsense mediated decay in a gene for which loss-of-function is a known mechanism of disease; Not observed at significant frequency in large population cohorts (gnomAD); Also known as 2105delAAAG; This variant is associated with the following publications: (PMID: 9328481, 9863590, 10533067, 28968464, 29740858, 28991257, 32211034, 32368696, 33278787, 33084842, 32313033, 32005694, 9242607)

Genome-Nilou Lab
Classification: Pathogenic for Tuberous sclerosis 1. Last evaluated: 2021-11-07. Review status: criteria provided, single submitter. Criteria: ACMG Guidelines, 2015. Collection method: clinical testing. Allele origin: germline. Affected: no.

Athena Diagnostics
Classification: Pathogenic. Last evaluated: 2020-10-05. Review status: criteria provided, single submitter. Criteria: Athena Diagnostics criteria. Collection method: clinical testing. Allele origin: unknown.
Comment: This variant is expected to result in the loss of a functional protein. This variant has not been reported in large, multi-ethnic general populations. This variant is also referred to as c.1884_1887delAAAG and c.2105delAAAG in published literature. This variant has been identified in multiple unrelated individuals with clinical features associated with this gene.

Quest Diagnostics Nichols Institute San Juan Capistrano
Classification: Pathogenic. Last evaluated: 2020-10-05. Review status: criteria provided, single submitter. Criteria: Quest Diagnostics criteria. Collection method: clinical testing. Allele origin: unknown.
Comment: This frameshift variant alters the translational reading frame of the TSC1 mRNA and causes the premature termination of TSC1 protein synthesis. It has not been reported in large, multi-ethnic general populations. In the published literature, the variant has been reported in individuals with tuberous sclerosis (PMID: 9242607 (1997), 9924605 (1998), 10363127 (1998), 10227394 (1999), 16981987 (2006), 21510812 (2011), 24271014 (2014)). In addition, this variant was found in the de novo state in an individual with tuberous sclerosis (PMID: 10533067 (1999)). Cased on the available information, this variant is classified as pathogenic.

Revvity Omics, Revvity
Classification: Pathogenic. Last evaluated: 2020-02-13. Review status: criteria provided, single submitter. Criteria: ACMG Guidelines, 2015. Collection method: clinical testing. Allele origin: germline.

Center for Human Genetics, Inc
Classification: Pathogenic for Tuberous sclerosis 1. Last evaluated: 2016-11-01. Review status: criteria provided, single submitter. Criteria: ACMG Guidelines, 2015. Collection method: clinical testing. Allele origin: germline. Affected: yes.

Oasi Research Institute-IRCCS
Classification: Pathogenic for Tuberous sclerosis 1. Review status: criteria provided, single submitter. Criteria: ACMG Guidelines, 2015. Collection method: research. Allele origin: inherited. Affected: yes.
Comment: The genomic variant c.1888_1891delAAAG is characterized by a deletion of four nucleotides.This variant creates a premature translational stop signal and is expected to result in a protein truncation or nonsense-mediated decay. ACMG criteria: PVS1 (LOF), PP4 (phenotype match), PM2 (absent from controls), PP3 (in silico evidence), PS4 (affected individuals)= Pathogenic. Based on the evidence outlined above, the variant was classified as Pathogenic.

University Health Network, Familial Cancer Clinic, Princess Margaret Cancer Centre
Classification: Pathogenic for Tuberous sclerosis syndrome. Review status: criteria provided, single submitter. Criteria: ACMG Guidelines, 2015. Collection method: clinical testing. Allele origin: germline. Inheritance: Autosomal dominant inheritance. Affected: yes. Observed: 1 variant allele.

OMIM
Classification: Pathogenic for TUBEROUS SCLEROSIS 1. Last evaluated: 1997-08-08. Review status: no assertion criteria provided. Collection method: literature only. Allele origin: germline. Not counted in ClinVar's aggregate classification.

Tuberous sclerosis database (TSC1)
No classification provided. Condition: TSC. Review status: no classification provided. Criteria: Tuberous Sclerosis Database Assertion Criteria 2015. Collection method: curation. Allele origin: germline. Affected: yes. Not counted in ClinVar's aggregate classification.

Tuberous sclerosis database (TSC1)
No classification provided. Condition: TSC. Review status: flagged submission. Criteria: Tuberous Sclerosis Database Assertion Criteria 2015. Collection method: curation. Allele origin: germline. Affected: yes. Not counted in ClinVar's aggregate classification.
ClinVar note: Reason: This record appears to be redundant with a more recent record from the same submitter.
ClinVar note: Notes: SCV000065883 appears to be redundant with SCV000083153.

Literature cited by the submitters: PubMed 9863590 (cited by 4 submitters); PubMed 10533067 (cited by 4 submitters); PubMed 9242607 (cited by 6 submitters); PubMed 32917966 (cited by Dasa); PubMed 23389244 (cited by Dasa); PubMed 17304050 (cited by Dasa and Labcorp Genetics (formerly Invitae), Labcorp); PubMed 10227394 (cited by 3 submitters); PubMed 9924605 (cited by 3 submitters); PubMed 28968464 (cited by Mayo Clinic Laboratories, Mayo Clinic); PubMed 32005694 (cited by Mayo Clinic Laboratories, Mayo Clinic); PubMed 32211034 (cited by Mayo Clinic Laboratories, Mayo Clinic); PubMed 39596632 (cited by Mayo Clinic Laboratories, Mayo Clinic); PubMed 29073472 (cited by Athena Diagnostics and Quest Diagnostics Nichols Institute San Juan Capistrano); PubMed 24271014 (cited by Athena Diagnostics and Quest Diagnostics Nichols Institute San Juan Capistrano); PubMed 9328481 (cited by Athena Diagnostics and Quest Diagnostics Nichols Institute San Juan Capistrano); PubMed 16981987 (cited by Athena Diagnostics and Quest Diagnostics Nichols Institute San Juan Capistrano); PubMed 21510812 (cited by Athena Diagnostics and Quest Diagnostics Nichols Institute San Juan Capistrano); PubMed 10363127 (cited by Athena Diagnostics and Quest Diagnostics Nichols Institute San Juan Capistrano).

NM_000368.5(TSC1):c.1888_1891del (p.Lys630fs)

Gene: TSC1 (TSC complex subunit 1; minus strand). Cytogenetic location: 9q34.13.
Variant type: Microsatellite.
Coding change: c.1888_1891del on transcript NM_000368.5 (MANE Select); coding-DNA positions 1888 to 1891, 4 bases deleted (AAAG; older notation c.1888_1891delAAAG).
Protein change: p.Lys630fs; shifts the reading frame from lysine 630.
Molecular consequence: frameshift variant.
Genome position (GRCh38, 1-based): chr9:132,905,687-132,905,690, CTTT deleted on the plus strand (AAAG on the coding strand, the reverse complement: TSC1 is on the minus strand); deleting any 4 consecutive bases within chr9:132,905,687-132,905,694 gives the same sequence; the c. name uses the placement nearest the transcript's 3' end. VCF-style (leftmost placement, unchanged base first): chr9-132905686-GCTTT-G. GRCh37 (hg19) VCF-style: chr9-135781073-GCTTT-G.
Other names: p.Lys630Glnfs*22; c.1888_1891delAAAG (NM_000368.5, NM_000368.4); c.1885_1888del, p.Lys629fs (NM_001162426.2); c.1735_1738del, p.Lys579fs (NM_001162427.2); c.1525_1528del, p.Lys509fs (NM_001362177.2); short protein forms K509fs, K629fs, K630fs, K579fs.
Identifiers: ClinVar variation 5097 (VCV000005097.66), dbSNP rs118203595, ClinGen allele CA005539.